The following is an entry in ClinVar:

NM_007215.4(POLG2):c.938A>G (p.His313Arg)

Genes: MILR1 (mast cell immunoglobulin like receptor 1; plus strand), POLG2 (DNA polymerase gamma 2, accessory subunit; minus strand). Cytogenetic location: 17q23.3.
Variant type: single nucleotide variant.
Coding change: c.938A>G on transcript NM_007215.4 (MANE Select); coding-DNA position 938, A replaced by G.
Protein change: p.His313Arg; replaces histidine 313 with arginine.
Molecular consequence: missense variant.
Genome position (GRCh38, 1-based): chr17:64,490,827, T>C on the plus strand (A>G on the coding strand, the complement: POLG2 is on the minus strand). VCF-style: chr17-64490827-T-C. GRCh37 (hg19) VCF-style: chr17-62486944-T-C.
Other names: short protein forms H313R.
Identifiers: ClinVar variation 1980964 (VCV001980964.4), dbSNP rs538593678, ClinGen allele CA293013720.

ClinVar aggregate classification (germline): Uncertain significance (1 of 4 stars; one submission).

gnomAD v4.1: 2 of 1,613,600 alleles (0.00012%); highest among the groups gnomAD compares: Non-Finnish European, 0.00017%; no homozygotes.

Submission:

Labcorp Genetics (formerly Invitae), Labcorp
Classification: Uncertain significance. Last evaluated: 2025-04-17. Review status: criteria provided, single submitter. Criteria: Invitae Variant Classification Sherloc (09022015). Collection method: clinical testing. Allele origin: germline.
Comment: This sequence change replaces histidine, which is basic and polar, with arginine, which is basic and polar, at codon 313 of the POLG2 protein (p.His313Arg). This variant is present in population databases (rs538593678, gnomAD 0.007%). This variant has not been reported in the literature in individuals affected with POLG2-related conditions. ClinVar contains an entry for this variant (Variation ID: 1980964). An algorithm developed to predict the effect of missense changes on protein structure and function outputs the following: PolyPhen-2: "Benign". The arginine amino acid residue is found in multiple mammalian species, which suggests that this missense change does not adversely affect protein function. In summary, the available evidence is currently insufficient to determine the role of this variant in disease. Therefore, it has been classified as a Variant of Uncertain Significance.